The following is an entry in ClinVar:

NM_138694.4(PKHD1):c.658G>A (p.Asp220Asn)

Gene: PKHD1 (PKHD1 ciliary IPT domain containing fibrocystin/polyductin; minus strand). Cytogenetic location: 6p12.2.
Variant type: single nucleotide variant.
Coding change: c.658G>A on transcript NM_138694.4 (MANE Select); coding-DNA position 658, G replaced by A.
Protein change: p.Asp220Asn; replaces aspartic acid 220 with asparagine.
Molecular consequence: missense variant.
Genome position (GRCh38, 1-based): chr6:52,071,015, C>T on the plus strand (G>A on the coding strand, the complement: PKHD1 is on the minus strand). VCF-style: chr6-52071015-C-T. GRCh37 (hg19) VCF-style: chr6-51935813-C-T.
Other names: p.Asp220Asn; c.658G>A, p.Asp220Asn (NM_170724.3); short protein forms D220N.
Identifiers: ClinVar variation 498018 (VCV000498018.23), dbSNP rs199897497, ClinGen allele CA3853833.

ClinVar aggregate classification (germline): Conflicting classifications of pathogenicity. Review status: criteria provided, conflicting classifications (1 of 4 stars). 7 submissions from 7 submitters: Uncertain significance (4); Likely benign (1). 2 of the submissions do not count toward it. Last evaluated 2025-12-26.

Conditions:
Polycystic kidney disease 4 (PKD4). Also called: POLYCYSTIC KIDNEY AND HEPATIC DISEASE 1; POLYCYSTIC KIDNEY DISEASE, INFANTILE, TYPE I; PKD3; Autosomal Recessive Polycystic Kidney Disease – PKHD1; POLYCYSTIC KIDNEY DISEASE 4 WITH OR WITHOUT POLYCYSTIC LIVER DISEASE. Identifiers: MedGen C4540575, MONDO:0033004, OMIM 263200.
PKHD1-related disorder. Also called: PKHD1-related condition.
Autosomal recessive polycystic kidney disease (ARPKD). Also called: AR polycystic kidney disease. Identifiers: Orphanet 731, Orphanet 8378, MedGen C0085548, MeSH D017044, MONDO:0009889.

Allele frequency attached by ClinVar (database versions not stated): TOPMed 0.00010; gnomAD 0.00014 and 0.00015; gnomAD exomes 0.00015 and 0.00023; ExAC 0.00021.
gnomAD v4.1: 252 of 1,594,264 alleles (0.016%); highest among the groups gnomAD compares: Middle Eastern, 0.067%; 1 homozygote.

Submissions (7):

Labcorp Genetics (formerly Invitae), Labcorp
Classification: Likely benign for Autosomal recessive polycystic kidney disease. Last evaluated: 2025-12-26. Review status: criteria provided, single submitter. Criteria: Invitae Variant Classification Sherloc (09022015). Collection method: clinical testing. Allele origin: germline.

Mayo Clinic Laboratories, Mayo Clinic
Classification: Uncertain significance. Last evaluated: 2024-01-09. Review status: criteria provided, single submitter. Criteria: ACMG Guidelines, 2015. Collection method: clinical testing. Allele origin: germline. Observed: 1 variant allele.
Comment: BS2_supporting, BP4_strong

Fulgent Genetics
Classification: Uncertain significance for Polycystic kidney disease 4. Last evaluated: 2023-12-28. Review status: criteria provided, single submitter. Criteria: ACMG Guidelines, 2015. Collection method: clinical testing. Allele origin: germline.

Illumina Laboratory Services, Illumina
Classification: Uncertain significance for Polycystic kidney disease 4. Last evaluated: 2018-01-13. Review status: criteria provided, single submitter. Criteria: ICSL Variant Classification Criteria 13 December 2019. Collection method: clinical testing. Allele origin: germline.

Eurofins Ntd Llc (ga)
Classification: Uncertain significance. Last evaluated: 2016-10-17. Review status: criteria provided, single submitter. Criteria: EGL Classification Definitions 2015. Collection method: clinical testing. Allele origin: germline. Observed: 1 variant allele, 1 heterozygote.

PreventionGenetics, part of Exact Sciences
Classification: Uncertain significance for PKHD1-related condition. Last evaluated: 2023-12-19. Review status: no assertion criteria provided. Collection method: clinical testing. Allele origin: germline. Not counted in ClinVar's aggregate classification.
Comment: The PKHD1 c.658G>A variant is predicted to result in the amino acid substitution p.Asp220Asn. To our knowledge, this variant has not been reported in the literature. This variant is reported in 0.14% of alleles in individuals of European (Finnish) descent in gnomAD. At this time, the clinical significance of this variant is uncertain due to the absence of conclusive functional and genetic evidence.

Department of Pathology and Laboratory Medicine, Sinai Health System
Classification: Uncertain significance. Review status: no assertion criteria provided. Collection method: clinical testing. Allele origin: unknown. Affected: yes. Study: The Canadian Open Genetics Repository (COGR). Not counted in ClinVar's aggregate classification.
Comment: The PKHD1 p.Asp220Asn variant was not identified in the literature but was identified in dbSNP (ID: rs199897497) and ClinVar (classified as uncertain significance by EGL Genetic Diagnostics). The variant was identified in control databases in 65 of 282198 chromosomes at a frequency of 0.0002303 (Genome Aggregation Database March 6, 2019, v2.1.1). The variant was observed in the following populations: European (Finnish) in 36 of 25124 chromosomes (freq: 0.001433), European (non-Finnish) in 26 of 128652 chromosomes (freq: 0.000202), Other in 1 of 7192 chromosomes (freq: 0.000139), African in 1 of 24924 chromosomes (freq: 0.00004) and Latino in 1 of 35402 chromosomes (freq: 0.000028), but was not observed in the Ashkenazi Jewish, East Asian, or South Asian populations. The p.Asp220 residue is not conserved in mammals and computational analyses (PolyPhen-2, SIFT, AlignGVGD, BLOSUM, MutationTaster) do not suggest a high likelihood of impact to the protein; however, this information is not predictive enough to rule out pathogenicity. The variant occurs outside of the splicing consensus sequence and 1 of 4 in silico or computational prediction software programs (SpliceSiteFinder, MaxEntScan, NNSPLICE, GeneSplicer) predict a greater than 10% difference in splicing; this is not very predictive of pathogenicity. In summary, based on the above information the clinical significance of this variant cannot be determined with certainty at this time. This variant is classified as a variant of uncertain significance.